The following is an entry in ClinVar:

NM_001377229.1(DISP1):c.3961G>A (p.Ala1321Thr)

Gene: DISP1 (dispatched RND transporter family member 1; plus strand). Cytogenetic location: 1q41.
Variant type: single nucleotide variant.
Coding change: c.3961G>A on transcript NM_001377229.1 (MANE Select); coding-DNA position 3961, G replaced by A.
Protein change: p.Ala1321Thr; replaces alanine 1321 with threonine.
Molecular consequence: missense variant.
Genome position (GRCh38, 1-based): chr1:223,005,358, G>A. VCF-style: chr1-223005358-G-A. GRCh37 (hg19) VCF-style: chr1-223178700-G-A.
Other names: c.3232G>A, p.Ala1078Thr (NM_001350630.2); c.3961G>A, p.Ala1321Thr (NM_001369594.1, NM_001377228.1, NM_032890.5); short protein forms A1078T, A1321T.
Identifiers: ClinVar variation 1310108 (VCV001310108.2), dbSNP rs138305944, ClinGen allele CA38410069.

ClinVar aggregate classification (germline): Uncertain significance (1 of 4 stars; one submission).

Allele frequency attached by ClinVar (database versions not stated): gnomAD 0.00003; ESP Exome Variant Server 0.00008.
gnomAD v4.1: 4 of 1,613,402 alleles (0.00025%); highest among the groups gnomAD compares: African/African-American, 0.0053%; no homozygotes.

Submission:

GeneDx
Classification: Uncertain significance. Last evaluated: 2019-11-15. Review status: criteria provided, single submitter. Criteria: GeneDx Variant Classification Process June 2021. Collection method: clinical testing. Allele origin: germline. Affected: yes.
Comment: Not observed in large population cohorts (Lek et al., 2016); In silico analysis, which includes protein predictors and evolutionary conservation, supports that this variant does not alter protein structure/function; Has not been previously published as pathogenic or benign to our knowledge